The following is an entry in ClinVar:

NM_003334.4(UBA1):c.1226T>C (p.Val409Ala)

Gene: UBA1 (ubiquitin like modifier activating enzyme 1; plus strand). Cytogenetic location: Xp11.3.
Variant type: single nucleotide variant.
Coding change: c.1226T>C on transcript NM_003334.4 (MANE Select); coding-DNA position 1226, T replaced by C.
Protein change: p.Val409Ala; replaces valine 409 with alanine.
Molecular consequence: missense variant.
Genome position (GRCh38, 1-based): chrX:47,202,807, T>C. VCF-style: chrX-47202807-T-C. GRCh37 (hg19) VCF-style: chrX-47062206-T-C.
Other names: c.1226T>C (NM_003334.3); c.1226T>C, p.Val409Ala (NM_153280.3); short protein forms V409A.
Identifiers: ClinVar variation 1525509 (VCV001525509.10), dbSNP rs1556788859, ClinGen allele CA412796687.

ClinVar aggregate classification (germline): Uncertain significance. Review status: criteria provided, multiple submitters, no conflicts (2 of 4 stars). 2 submissions from 2 submitters: Uncertain significance (2). Last evaluated 2025-10-02.

Conditions:
Inborn genetic diseases. Identifiers: MedGen C0950123, MeSH D030342.
Infantile-onset X-linked spinal muscular atrophy. Also called: Spinal muscular atrophy, X-linked 2; SPINAL MUSCULAR ATROPHY, X-LINKED LETHAL INFANTILE; AMC, DISTAL, X-LINKED; ARTHROGRYPOSIS, X-LINKED, TYPE I; Spinal Muscular Atrophy, X-Linked Infantile. Identifiers: Orphanet 1145, MedGen C1844934, MONDO:0010532, OMIM 301830.

Allele frequency attached by ClinVar (database versions not stated): gnomAD exomes below 0.00001; TOPMed 0.00002; gnomAD 0.00003.
gnomAD v4.1: 4 of 1,205,103 alleles (0.00033%); highest among the groups gnomAD compares: African/African-American, 0.007%; no homozygotes.

Submissions (2):

Ambry Genetics
Classification: Uncertain significance for Inborn genetic diseases. Last evaluated: 2025-10-02. Review status: criteria provided, single submitter. Criteria: Ambry Variant Classification Scheme 2023. Collection method: clinical testing. Allele origin: germline.

Labcorp Genetics (formerly Invitae), Labcorp
Classification: Uncertain significance for Infantile-onset X-linked spinal muscular atrophy. Last evaluated: 2021-03-14. Review status: criteria provided, single submitter. Criteria: Invitae Variant Classification Sherloc (09022015). Collection method: clinical testing. Allele origin: germline.
Comment: In summary, the available evidence is currently insufficient to determine the role of this variant in disease. Therefore, it has been classified as a Variant of Uncertain Significance. Algorithms developed to predict the effect of missense changes on protein structure and function (SIFT, PolyPhen-2, Align-GVGD) all suggest that this variant is likely to be tolerated, but these predictions have not been confirmed by published functional studies and their clinical significance is uncertain. This variant has not been reported in the literature in individuals with UBA1-related conditions. This variant is not present in population databases (ExAC no frequency). This sequence change replaces valine with alanine at codon 409 of the UBA1 protein (p.Val409Ala). The valine residue is moderately conserved and there is a small physicochemical difference between valine and alanine.